The following is an entry in ClinVar:

NM_000051.4(ATM):c.4685T>C (p.Leu1562Ser)

Gene: ATM (ATM serine/threonine kinase; plus strand). Cytogenetic location: 11q22.3.
Variant type: single nucleotide variant.
Coding change: c.4685T>C on transcript NM_000051.4 (MANE Select); coding-DNA position 4685, T replaced by C.
Protein change: p.Leu1562Ser; replaces leucine 1562 with serine.
Molecular consequence: missense variant.
Genome position (GRCh38, 1-based): chr11:108,293,386, T>C. VCF-style: chr11-108293386-T-C. GRCh37 (hg19) VCF-style: chr11-108164113-T-C.
Other names: c.4685T>C, p.Leu1562Ser (NM_001351834.2); short protein forms L1562S.
Identifiers: ClinVar variation 3450471 (VCV003450471.3).

ClinVar aggregate classification (germline): Uncertain significance. Review status: criteria provided, multiple submitters, no conflicts (2 of 4 stars). 2 submissions from 2 submitters: Uncertain significance (2). Last evaluated 2024-09-19.

Conditions:
Hereditary cancer-predisposing syndrome. Also called: Hereditary Cancer Syndrome; Hereditary neoplastic syndrome; Neoplastic Syndromes, Hereditary; Tumor predisposition. Identifiers: Orphanet 140162, MedGen C0027672, MeSH D009386, MONDO:0015356.
Ataxia-telangiectasia syndrome (AT). Also called: AT, COMPLEMENTATION GROUP C; Cerebello-oculocutaneous telangiectasia; Immunodeficiency with ataxia telangiectasia; Ataxia-telangiectasia, complementation group D; Ataxia-telangiectasia; LOUIS-BAR SYNDROME. Identifiers: Orphanet 100, MedGen C0004135, MONDO:0008840, OMIM 208900.

gnomAD v4.1: 2 of 1,606,848 alleles (0.00012%); highest among the groups gnomAD compares: East Asian, 0.0045%; no homozygotes.

Submissions (2):

Labcorp Genetics (formerly Invitae), Labcorp
Classification: Uncertain significance for Ataxia-telangiectasia syndrome. Last evaluated: 2024-09-19. Review status: criteria provided, single submitter. Criteria: Invitae Variant Classification Sherloc (09022015). Collection method: clinical testing. Allele origin: germline.
Comment: This sequence change replaces leucine, which is neutral and non-polar, with serine, which is neutral and polar, at codon 1562 of the ATM protein (p.Leu1562Ser). This variant is not present in population databases (gnomAD no frequency). This variant has not been reported in the literature in individuals affected with ATM-related conditions. An algorithm developed to predict the effect of missense changes on protein structure and function (PolyPhen-2) suggests that this variant is likely to be disruptive. In summary, the available evidence is currently insufficient to determine the role of this variant in disease. Therefore, it has been classified as a Variant of Uncertain Significance.

Ambry Genetics
Classification: Uncertain significance for Hereditary cancer-predisposing syndrome. Last evaluated: 2024-08-02. Review status: criteria provided, single submitter. Criteria: Ambry Variant Classification Scheme 2023. Collection method: clinical testing. Allele origin: germline.
Comment: The p.L1562S variant (also known as c.4685T>C), located in coding exon 30 of the ATM gene, results from a T to C substitution at nucleotide position 4685. The leucine at codon 1562 is replaced by serine, an amino acid with dissimilar properties. This amino acid position is conserved. In addition, the in silico prediction for this alteration is inconclusive. Based on the available evidence, the clinical significance of this variant remains unclear.